The following is an entry in ClinVar:

NM_015506.3(MMACHC):c.182G>A (p.Arg61Gln)

Gene: MMACHC (metabolism of cobalamin associated C; plus strand). Cytogenetic location: 1p34.1.
Variant type: single nucleotide variant.
Coding change: c.182G>A on transcript NM_015506.3 (MANE Select); coding-DNA position 182, G replaced by A.
Protein change: p.Arg61Gln; replaces arginine 61 with glutamine.
Molecular consequence: missense variant.
Genome position (GRCh38, 1-based): chr1:45,507,456, G>A. VCF-style: chr1-45507456-G-A. GRCh37 (hg19) VCF-style: chr1-45973128-G-A.
Other names: c.11G>A, p.Arg4Gln (NM_001330540.2); short protein forms R61Q, R4Q.
Identifiers: ClinVar variation 533860 (VCV000533860.11), dbSNP rs201777449, ClinGen allele CA827662.

ClinVar aggregate classification (germline): Uncertain significance. Review status: criteria provided, multiple submitters, no conflicts (2 of 4 stars). 5 submissions from 5 submitters: Uncertain significance (4). 1 of the submissions does not count toward it. Last evaluated 2023-04-11.

Conditions:
Cobalamin C disease. Also called: Cobalamin-C methylmalonic acidemia and homocystinuria; Methylmalonic acidemia and homocystinuria cblC type; methylmalonic aciduria and homocystinuria type cblC; Methylmalonic aciduria with homocystinuria cblC type; Methylmalonic aciduria and homocystinuria, Vitamin B12-responsive; Vitamin B12 metabolic defect with combined deficiency of methylmalonyl-CoA mutase and homocysteine:methyltetrahydrofolate methyltransferase. Identifiers: Orphanet 26, Orphanet 79282, MedGen C1848561, MONDO:0010184, OMIM 277400.

Allele frequency attached by ClinVar (database versions not stated): TOPMed 0.00012; ExAC 0.00014; ESP Exome Variant Server 0.00024.
gnomAD v4.1: 298 of 1,613,980 alleles (0.018%); highest among the groups gnomAD compares: Middle Eastern, 0.13%; no homozygotes.

Submissions (5):

Genome-Nilou Lab
Classification: Uncertain significance for Cobalamin C disease. Last evaluated: 2023-04-11. Review status: criteria provided, single submitter. Criteria: ACMG Guidelines, 2015. Collection method: clinical testing. Allele origin: germline. Affected: no.

Labcorp Genetics (formerly Invitae), Labcorp
Classification: Uncertain significance for Cobalamin C disease. Last evaluated: 2022-09-12. Review status: criteria provided, single submitter. Criteria: Invitae Variant Classification Sherloc (09022015). Collection method: clinical testing. Allele origin: germline.
Comment: This sequence change replaces arginine, which is basic and polar, with glutamine, which is neutral and polar, at codon 61 of the MMACHC protein (p.Arg61Gln). This variant is present in population databases (rs201777449, gnomAD 0.03%). This variant has not been reported in the literature in individuals affected with MMACHC-related conditions. ClinVar contains an entry for this variant (Variation ID: 533860). Algorithms developed to predict the effect of missense changes on protein structure and function output the following: SIFT: "Tolerated"; PolyPhen-2: "Benign"; Align-GVGD: "Class C0". The glutamine amino acid residue is found in multiple mammalian species, which suggests that this missense change does not adversely affect protein function. Algorithms developed to predict the effect of sequence changes on RNA splicing suggest that this variant may create or strengthen a splice site. In summary, the available evidence is currently insufficient to determine the role of this variant in disease. Therefore, it has been classified as a Variant of Uncertain Significance.

Fulgent Genetics
Classification: Uncertain significance for Cobalamin C disease. Last evaluated: 2022-01-04. Review status: criteria provided, single submitter. Criteria: ACMG Guidelines, 2015. Collection method: clinical testing. Allele origin: unknown.

Laboratorio de Genetica e Diagnostico Molecular, Hospital Israelita Albert Einstein
Classification: Uncertain significance. Last evaluated: 2019-11-14. Review status: criteria provided, single submitter. Criteria: ACMG Guidelines, 2015. Collection method: clinical testing. Allele origin: germline. Affected: yes.
Comment: ACMG classification criteria: PM2, BP4

Natera, Inc.
Classification: Uncertain significance for Methylmalonic aciduria and homocystinuria cblC type. Last evaluated: 2020-07-16. Review status: no assertion criteria provided. Collection method: clinical testing. Allele origin: germline. Not counted in ClinVar's aggregate classification.